The following is an entry in ClinVar:

ClinVar aggregate classification (germline): Pathogenic. Review status: reviewed by expert panel (3 of 4 stars). 2 submissions from 2 submitters: Pathogenic (1). 1 of the submissions does not count toward it. Last evaluated 2016-10-18.

Conditions:
Breast-ovarian cancer, familial, susceptibility to, 2 (BROVCA2). Also called: BRCA2 Hereditary Breast and Ovarian Cancer. Identifiers: Orphanet 145, MedGen C2675520, MONDO:0012933, OMIM 612555. Disease mechanism: loss of function.

Submissions (2):

Evidence-based Network for the Interpretation of Germline Mutant Alleles (ENIGMA)
Classification: Pathogenic for Breast-ovarian cancer, familial, susceptibility to, 2. Last evaluated: 2016-10-18. Review status: reviewed by expert panel. Criteria: ENIGMA BRCA1/2 Classification Criteria (2015). Collection method: curation. Allele origin: germline.
Comment: Variant allele predicted to encode a truncated non-functional protein.

Consortium of Investigators of Modifiers of BRCA1/2 (CIMBA), c/o University of Cambridge
Classification: Pathogenic for Breast-ovarian cancer, familial, susceptibility to, 2. Last evaluated: 2015-10-02. Review status: criteria provided, single submitter. Criteria: CIMBA Mutation Classification guidelines May 2016. Collection method: clinical testing. Allele origin: germline. Not counted in ClinVar's aggregate classification.

NM_000059.4(BRCA2):c.1675del (p.Asp559fs)

Gene: BRCA2 (BRCA2 DNA repair associated; plus strand). Cytogenetic location: 13q13.1.
Variant type: Deletion.
Coding change: c.1675del on transcript NM_000059.4 (MANE Select); coding-DNA position 1675, one base deleted (G; older notation c.1675delG).
Protein change: p.Asp559fs; shifts the reading frame from aspartic acid 559.
Molecular consequence: frameshift variant.
Genome position (GRCh38, 1-based): chr13:32,333,153, G deleted. VCF-style (leftmost placement, unchanged base first): chr13-32333152-TG-T. GRCh37 (hg19) VCF-style: chr13-32907289-TG-T.
Other names: 1903delG; short protein forms D559fs.
Identifiers: ClinVar variation 266652 (VCV000266652.5), dbSNP rs886040381, ClinGen allele CA10589111.